The following is an entry in ClinVar:

ClinVar aggregate classification (germline): Uncertain significance. Review status: criteria provided, multiple submitters, no conflicts (2 of 4 stars). 2 submissions from 2 submitters: Uncertain significance (2). Last evaluated 2026-05-12.

Submissions (2):

GeneDx
Classification: Uncertain significance. Last evaluated: 2026-05-12. Review status: criteria provided, single submitter. Criteria: GeneDx Variant Classification Process June 2021. Collection method: clinical testing. Allele origin: germline.
Comment: In silico analysis suggests that this missense variant does not alter protein structure/function; Not observed at significant frequency in large population cohorts (gnomAD); Has not been previously published as pathogenic or benign to our knowledge

Labcorp Genetics (formerly Invitae), Labcorp
Classification: Uncertain significance. Last evaluated: 2024-08-04. Review status: criteria provided, single submitter. Criteria: Invitae Variant Classification Sherloc (09022015). Collection method: clinical testing. Allele origin: germline.
Comment: This sequence change replaces asparagine, which is neutral and polar, with serine, which is neutral and polar, at codon 196 of the TFAP2A protein (p.Asn196Ser). This variant is not present in population databases (gnomAD no frequency). This variant has not been reported in the literature in individuals affected with TFAP2A-related conditions. An algorithm developed to predict the effect of missense changes on protein structure and function (PolyPhen-2) suggests that this variant is likely to be tolerated. In summary, the available evidence is currently insufficient to determine the role of this variant in disease. Therefore, it has been classified as a Variant of Uncertain Significance.

NM_001372066.1(TFAP2A):c.593A>G (p.Asn198Ser)

Genes: TFAP2A (transcription factor AP-2 alpha; minus strand), TFAP2A-AS2 (TFAP2A antisense RNA 2; plus strand), LOC121740638 (BRD4-independent group 4 enhancer GRCh37_chr6:10403277-10404476; plus strand). Cytogenetic location: 6p24.3.
Variant type: single nucleotide variant.
Coding change: c.593A>G on transcript NM_001372066.1 (MANE Select); coding-DNA position 593, A replaced by G.
Protein change: p.Asn198Ser; replaces asparagine 198 with serine.
Molecular consequence: missense variant. On other transcripts: non-coding transcript variant (1).
Genome position (GRCh38, 1-based): chr6:10,404,685, T>C on the plus strand (A>G on the coding strand, the complement: TFAP2A is on the minus strand). VCF-style: chr6-10404685-T-C. GRCh37 (hg19) VCF-style: chr6-10404918-T-C.
Other names: c.569A>G, p.Asn190Ser (NM_001032280.3); c.575A>G, p.Asn192Ser (NM_001042425.3); short protein forms N190S, N192S, N198S.
Identifiers: ClinVar variation 3603061 (VCV003603061.3).